The following is an entry in ClinVar:

ClinVar aggregate classification (germline): Uncertain significance. Review status: criteria provided, multiple submitters, no conflicts (2 of 4 stars). 2 submissions from 2 submitters: Uncertain significance (2). Last evaluated 2025-01-07.

Allele frequency attached by ClinVar (database versions not stated): gnomAD 0.00004; TOPMed 0.00004; ExAC 0.00008; gnomAD exomes 0.00008.
gnomAD v4.1: 127 of 1,613,096 alleles (0.0079%); highest among the groups gnomAD compares: Middle Eastern, 0.033%; no homozygotes.

Submissions (2):

Ambry Genetics
Classification: Uncertain significance. Last evaluated: 2025-01-07. Review status: criteria provided, single submitter. Criteria: Ambry Variant Classification Scheme 2023. Collection method: clinical testing. Allele origin: germline.

Labcorp Genetics (formerly Invitae), Labcorp
Classification: Uncertain significance. Last evaluated: 2024-09-14. Review status: criteria provided, single submitter. Criteria: Invitae Variant Classification Sherloc (09022015). Collection method: clinical testing. Allele origin: germline.
Comment: This sequence change replaces aspartic acid, which is acidic and polar, with glycine, which is neutral and non-polar, at codon 643 of the CEP97 protein (p.Asp643Gly). This variant is present in population databases (rs770782301, gnomAD 0.009%). This variant has not been reported in the literature in individuals affected with CEP97-related conditions. ClinVar contains an entry for this variant (Variation ID: 2163109). Invitae Evidence Modeling of protein sequence and biophysical properties (such as structural, functional, and spatial information, amino acid conservation, physicochemical variation, residue mobility, and thermodynamic stability) indicates that this missense variant is not expected to disrupt CEP97 protein function with a negative predictive value of 80%. Algorithms developed to predict the effect of sequence changes on RNA splicing suggest that this variant may disrupt the consensus splice site. In summary, the available evidence is currently insufficient to determine the role of this variant in disease. Therefore, it has been classified as a Variant of Uncertain Significance.

NM_024548.4(CEP97):c.1928A>G (p.Asp643Gly)

Gene: CEP97 (centrosomal protein 97; plus strand). Cytogenetic location: 3q12.3.
Variant type: single nucleotide variant.
Coding change: c.1928A>G on transcript NM_024548.4 (MANE Select); coding-DNA position 1928, A replaced by G.
Protein change: p.Asp643Gly; replaces aspartic acid 643 with glycine.
Molecular consequence: missense variant.
Genome position (GRCh38, 1-based): chr3:101,764,881, A>G. VCF-style: chr3-101764881-A-G. GRCh37 (hg19) VCF-style: chr3-101483725-A-G.
Other names: c.1928A>G (NM_024548.2); c.1751A>G, p.Asp584Gly (NM_001303401.2); c.1826A>G, p.Asp609Gly (NM_001410784.1); c.1649A>G, p.Asp550Gly (NM_001410785.1); short protein forms D609G, D643G, D550G, D584G.
Identifiers: ClinVar variation 2163109 (VCV002163109.6), dbSNP rs770782301, ClinGen allele CA2522243.
Genomic context (GRCh38, chr3:101,764,881, plus strand): 5'-ATACAACTGTATTCTCTGGTTTATAGGTAAGGTCTCTACAGGTTTGGCAACAGACAGTGG[A>G]CCAGCGTCTAAGTTCCTGGCATACTGATGTTCCTCCTATATCAAGTACTCTTGTGCCATC-3'
Protein context (NP_078824.2, residues 633-653): RSLQVWQQTV[Asp643Gly]QRLSSWHTDV